The following is an entry in ClinVar:

NM_000548.5(TSC2):c.4024C>A (p.Gln1342Lys)

Gene: TSC2 (TSC complex subunit 2; plus strand). Cytogenetic location: 16p13.3.
Variant type: single nucleotide variant.
Coding change: c.4024C>A on transcript NM_000548.5 (MANE Select); coding-DNA position 4024, C replaced by A.
Protein change: p.Gln1342Lys; replaces glutamine 1342 with lysine.
Molecular consequence: missense variant. On other transcripts: non-coding transcript variant (5).
Genome position (GRCh38, 1-based): chr16:2,084,246, C>A. VCF-style: chr16-2084246-C-A. GRCh37 (hg19) VCF-style: chr16-2134247-C-A.
Other names: c.3823C>A, p.Gln1275Lys (NM_001077183.3); c.3955C>A, p.Gln1319Lys (NM_001114382.3); c.3715C>A, p.Gln1239Lys (NM_001318827.2); c.3679C>A, p.Gln1227Lys (NM_001318829.2); c.3292C>A, p.Gln1098Lys (NM_001318831.2); c.3856C>A, p.Gln1286Lys (NM_001318832.2); c.3826C>A, p.Gln1276Lys (NM_001363528.2); c.3892C>A, p.Gln1298Lys (NM_001370404.1); and 26 more; short protein forms Q1299K, Q1319K, Q741K, Q828K, Q1098K, Q1119K, Q1122K, Q1269K.
Identifiers: ClinVar variation 3974696 (VCV003974696.1).
Genomic context (GRCh38, chr16:2,084,246, plus strand): 5'-GTGCCTGCTGACAGGGGTTCTCTTTGGGATGGTCCTTTCTAGTCGTCCTCAGTCTCCAGC[C>A]AGGAGGAGAAGTCGCTCCACGCGGAGGAGCTGGTTGGCAGGGGCATCCCCATCGAGCGAG-3'
Protein context (NP_000539.2, residues 1332-1352): AYSRSSSVSS[Gln1342Lys]EEKSLHAEEL

ClinVar aggregate classification (germline): Uncertain significance (1 of 4 stars; one submission).

Conditions:
Hereditary cancer-predisposing syndrome. Also called: Tumor predisposition; Hereditary neoplastic syndrome; Hereditary Cancer Syndrome; Neoplastic Syndromes, Hereditary. Identifiers: Orphanet 140162, MedGen C0027672, MeSH D009386, MONDO:0015356.

Submission:

Ambry Genetics
Classification: Uncertain significance for Hereditary cancer-predisposing syndrome. Last evaluated: 2025-05-31. Review status: criteria provided, single submitter. Criteria: Ambry Variant Classification Scheme 2023. Collection method: clinical testing. Allele origin: germline.
Comment: The p.Q1342K variant (also known as c.4024C>A), located in coding exon 33 of the TSC2 gene, results from a C to A substitution at nucleotide position 4024. The glutamine at codon 1342 is replaced by lysine, an amino acid with similar properties. This amino acid position is conserved. In addition, this alteration is predicted to be deleterious by in silico analysis. Based on the available evidence, the clinical significance of this variant remains unclear.